The following is an entry in ClinVar:

NM_018646.6(TRPV6):c.422C>T (p.Ala141Val)

Gene: TRPV6 (transient receptor potential cation channel subfamily V member 6; minus strand). Cytogenetic location: 7q34.
Variant type: single nucleotide variant.
Coding change: c.422C>T on transcript NM_018646.6 (MANE Select); coding-DNA position 422, C replaced by T.
Protein change: p.Ala141Val; replaces alanine 141 with valine.
Molecular consequence: missense variant.
Genome position (GRCh38, 1-based): chr7:142,877,698, G>A on the plus strand (C>T on the coding strand, the complement: TRPV6 is on the minus strand). VCF-style: chr7-142877698-G-A. GRCh37 (hg19) VCF-style: chr7-142575451-G-A.
Other names: short protein forms A141V.
Identifiers: ClinVar variation 4774871 (VCV004774871.1).
Genomic context (GRCh38, chr7:142,877,698, plus strand): 5'-CGTGGGCCCTCACCCTCATAGAGCTCAGATGTCATGGGCTCAAAGACCAGCTCCGGGGCA[G>A]CCTCCATCAGCACCATGGCGGCCTCCAGGTTGTCATAGAGGGCTGCTATGTGTAGCGCTG-3'
Protein context (NP_061116.5, residues 131-151): NLEAAMVLME[Ala141Val]APELVFEPMT

ClinVar aggregate classification (germline): Uncertain significance (1 of 4 stars; one submission).

gnomAD v4.1: 1 of 1,614,192 alleles (0.000062%); highest among the groups gnomAD compares: Non-Finnish European, 0.000085%; no homozygotes.

Submission:

Labcorp Genetics (formerly Invitae), Labcorp
Classification: Uncertain significance. Last evaluated: 2025-09-07. Review status: criteria provided, single submitter. Criteria: Invitae Variant Classification Sherloc (09022015). Collection method: clinical testing. Allele origin: germline.
Comment: This sequence change replaces alanine, which is neutral and non-polar, with valine, which is neutral and non-polar, at codon 141 of the TRPV6 protein (p.Ala141Val). This variant is not present in population databases (gnomAD no frequency). This variant has not been reported in the literature in individuals affected with TRPV6-related conditions. An algorithm developed to predict the effect of missense changes on protein structure and function outputs the following: PolyPhen-2: "Not Available". The valine amino acid residue is found in multiple mammalian species, which suggests that this missense change does not adversely affect protein function. In summary, the available evidence is currently insufficient to determine the role of this variant in disease. Therefore, it has been classified as a Variant of Uncertain Significance.